The following is an entry in ClinVar:

NM_199242.3(UNC13D):c.1363C>T (p.Pro455Ser)

Gene: UNC13D (unc-13 homolog D; minus strand). Cytogenetic location: 17q25.1.
Variant type: single nucleotide variant.
Coding change: c.1363C>T on transcript NM_199242.3 (MANE Select); coding-DNA position 1363, C replaced by T.
Protein change: p.Pro455Ser; replaces proline 455 with serine.
Molecular consequence: missense variant.
Genome position (GRCh38, 1-based): chr17:75,836,365, G>A on the plus strand (C>T on the coding strand, the complement: UNC13D is on the minus strand). VCF-style: chr17-75836365-G-A. GRCh37 (hg19) VCF-style: chr17-73832446-G-A.
Other names: short protein forms P455S.
Identifiers: ClinVar variation 1354173 (VCV001354173.6), dbSNP rs2143881541, ClinGen allele CA401099323.

ClinVar aggregate classification (germline): Uncertain significance (1 of 4 stars; one submission).

Conditions:
Familial hemophagocytic lymphohistiocytosis 3 (FHL3). Also called: UNC13D-Related Familial Hemophagocytic Lymphohistiocytosis (UNC13D-fHLH). Identifiers: Orphanet 540, MedGen C1837174, MONDO:0012146, OMIM 608898.

Submission:

Labcorp Genetics (formerly Invitae), Labcorp
Classification: Uncertain significance for Familial hemophagocytic lymphohistiocytosis 3. Last evaluated: 2025-07-21. Review status: criteria provided, single submitter. Criteria: Invitae Variant Classification Sherloc (09022015). Collection method: clinical testing. Allele origin: germline.
Comment: This sequence change replaces proline, which is neutral and non-polar, with serine, which is neutral and polar, at codon 455 of the UNC13D protein (p.Pro455Ser). This variant is not present in population databases (gnomAD no frequency). This variant has not been reported in the literature in individuals affected with UNC13D-related conditions. ClinVar contains an entry for this variant (Variation ID: 1354173). Invitae Evidence Modeling of protein sequence and biophysical properties (such as structural, functional, and spatial information, amino acid conservation, physicochemical variation, residue mobility, and thermodynamic stability) indicates that this missense variant is not expected to disrupt UNC13D protein function with a negative predictive value of 80%. In summary, the available evidence is currently insufficient to determine the role of this variant in disease. Therefore, it has been classified as a Variant of Uncertain Significance.